The following is an entry in ClinVar:

ClinVar aggregate classification (germline): Uncertain significance (1 of 4 stars; one submission).

gnomAD v4.1: 4 of 1,610,074 alleles (0.00025%); highest among the groups gnomAD compares: Admixed American, 0.0033%; no homozygotes.

Submission:

Labcorp Genetics (formerly Invitae), Labcorp
Classification: Uncertain significance. Last evaluated: 2023-08-30. Review status: criteria provided, single submitter. Criteria: Invitae Variant Classification Sherloc (09022015). Collection method: clinical testing. Allele origin: germline.
Comment: The frequency data for this variant in the population databases is considered unreliable, as metrics indicate poor data quality at this position in the gnomAD database. In summary, the available evidence is currently insufficient to determine the role of this variant in disease. Therefore, it has been classified as a Variant of Uncertain Significance. Algorithms developed to predict the effect of sequence changes on RNA splicing suggest that this variant may disrupt the consensus splice site. This variant has not been reported in the literature in individuals affected with CNOT3-related conditions. This sequence change falls in intron 7 of the CNOT3 gene. It does not directly change the encoded amino acid sequence of the CNOT3 protein.

NM_014516.4(CNOT3):c.484-8G>T

Gene: CNOT3 (CCR4-NOT transcription complex subunit 3; plus strand). Cytogenetic location: 19q13.42.
Variant type: single nucleotide variant.
Coding change: c.484-8G>T on transcript NM_014516.4 (MANE Select); 8 bases into the intron before coding-DNA position 484, G replaced by T.
Molecular consequence: intron variant.
Genome position (GRCh38, 1-based): chr19:54,145,590, G>T. VCF-style: chr19-54145590-G-T. GRCh37 (hg19) VCF-style: chr19-54649326-G-T.
Identifiers: ClinVar variation 2877541 (VCV002877541.3), dbSNP rs767574789, ClinGen allele CA309339055.